The following is an entry in ClinVar:

NM_057175.5(NAA15):c.1702C>T (p.Leu568Phe)

Gene: NAA15 (N-alpha-acetyltransferase 15, NatA auxiliary subunit; plus strand). Cytogenetic location: 4q31.1.
Variant type: single nucleotide variant.
Coding change: c.1702C>T on transcript NM_057175.5 (MANE Select); coding-DNA position 1702, C replaced by T.
Protein change: p.Leu568Phe; replaces leucine 568 with phenylalanine.
Molecular consequence: missense variant.
Genome position (GRCh38, 1-based): chr4:139,361,886, C>T. VCF-style: chr4-139361886-C-T. GRCh37 (hg19) VCF-style: chr4-140283040-C-T.
Other names: c.1702C>T, p.Leu568Phe (NM_001410842.1); short protein forms L568F.
Identifiers: ClinVar variation 4975924 (VCV004975924.1).
Genomic context (GRCh38, chr4:139,361,886, plus strand): 5'-CTTCGACAGCATCCATTTTACTTCAAGGCAGCAAGAATTGCTATAGAGATCTATTTGAAG[C>T]TTCATGACAACCCCCTTACAGATGAGAATAAAGAACACGAAGCTGATACAGGTATAATAT-3'
Protein context (NP_476516.1, residues 558-578): ARIAIEIYLK[Leu568Phe]HDNPLTDENK

ClinVar aggregate classification (germline): Uncertain significance (1 of 4 stars; one submission).

gnomAD v4.1: 2 of 1,613,636 alleles (0.00012%); highest among the groups gnomAD compares: Non-Finnish European, 0.000085%; no homozygotes.

Submission:

GeneDx
Classification: Uncertain significance. Last evaluated: 2026-02-06. Review status: criteria provided, single submitter. Criteria: GeneDx Variant Classification Process June 2021. Collection method: clinical testing. Allele origin: germline.
Comment: Not observed at significant frequency in large population cohorts (gnomAD); In silico analysis supports that this missense variant has a deleterious effect on protein structure/function; Has not been previously published as pathogenic or benign to our knowledge